The following is an entry in ClinVar:

ClinVar aggregate classification (germline): Uncertain significance. Review status: criteria provided, multiple submitters, no conflicts (2 of 4 stars). 3 submissions from 3 submitters: Uncertain significance (3). Last evaluated 2025-05-07.

Conditions:
Inborn genetic diseases. Identifiers: MedGen C0950123, MeSH D030342.
Neuronal ceroid lipofuscinosis. Also called: Neuronal Ceroid Lipofuscinoses. Identifiers: Orphanet 216, Orphanet 79263, MedGen C0027877, MONDO:0016295. Disease mechanism: loss of function.

Allele frequency attached by ClinVar (database versions not stated): gnomAD exomes 0.00002 and 0.00006; ExAC 0.00004; gnomAD 0.00011 and 0.00013; TOPMed 0.00015; 1000 Genomes Project 30x 0.00016; 1000 Genomes Project 0.00020.

Submissions (3):

GeneDx
Classification: Uncertain significance. Last evaluated: 2025-05-07. Review status: criteria provided, single submitter. Criteria: GeneDx Variant Classification Process June 2021. Collection method: clinical testing. Allele origin: germline. Affected: yes.
Comment: In silico analysis suggests that this missense variant does not alter protein structure/function; Has not been previously published as pathogenic or benign to our knowledge

Ambry Genetics
Classification: Uncertain significance for Inborn genetic diseases. Last evaluated: 2024-05-01. Review status: criteria provided, single submitter. Criteria: Ambry Variant Classification Scheme 2023. Collection method: clinical testing. Allele origin: germline.

Labcorp Genetics (formerly Invitae), Labcorp
Classification: Uncertain significance for Neuronal ceroid lipofuscinosis. Last evaluated: 2022-10-13. Review status: criteria provided, single submitter. Criteria: Invitae Variant Classification Sherloc (09022015). Collection method: clinical testing. Allele origin: germline.
Comment: This sequence change replaces alanine, which is neutral and non-polar, with threonine, which is neutral and polar, at codon 48 of the CTSD protein (p.Ala48Thr). This variant is present in population databases (rs555516403, gnomAD 0.07%). This variant has not been reported in the literature in individuals affected with CTSD-related conditions. ClinVar contains an entry for this variant (Variation ID: 664342). Algorithms developed to predict the effect of missense changes on protein structure and function (SIFT, PolyPhen-2, Align-GVGD) all suggest that this variant is likely to be tolerated. In summary, the available evidence is currently insufficient to determine the role of this variant in disease. Therefore, it has been classified as a Variant of Uncertain Significance.

NM_001909.5(CTSD):c.142G>A (p.Ala48Thr)

Genes: PRADX (PRC2 and DDX5 associated lncRNA; plus strand), CTSD (cathepsin D; minus strand). Cytogenetic location: 11p15.5.
Variant type: single nucleotide variant.
Coding change: c.142G>A on transcript NM_001909.5 (MANE Select); coding-DNA position 142, G replaced by A.
Protein change: p.Ala48Thr; replaces alanine 48 with threonine.
Molecular consequence: missense variant.
Genome position (GRCh38, 1-based): chr11:1,761,395, C>T on the plus strand (G>A on the coding strand, the complement: CTSD is on the minus strand). VCF-style: chr11-1761395-C-T. GRCh37 (hg19) VCF-style: chr11-1782625-C-T.
Other names: short protein forms A48T.
Identifiers: ClinVar variation 664342 (VCV000664342.10), dbSNP rs555516403, ClinGen allele CA5814281.